The following is an entry in ClinVar:

ClinVar aggregate classification (germline): Uncertain significance. Review status: criteria provided, multiple submitters, no conflicts (2 of 4 stars). 2 submissions from 2 submitters: Uncertain significance (2). Last evaluated 2024-04-18.

Conditions:
Choanal atresia-athelia-hypothyroidism-delayed puberty-short stature syndrome (BCAHH). Also called: BRANCHIAL ARCH ABNORMALITIES, CHOANAL ATRESIA, ATHELIA, HEARING LOSS, AND HYPOTHYROIDISM SYNDROME. Identifiers: Orphanet 589856, MedGen C5680310, MONDO:0035651, OMIM 620186.
Kabuki syndrome 1 (KABUK1). Also called: KMT2D-Related Kabuki Syndrome. Identifiers: Orphanet 2322, MedGen CN030661, MONDO:0007843, OMIM 147920.
Kabuki syndrome. Also called: Kabuki make-up syndrome; NIIKAWA-KUROKI SYNDROME. Identifiers: Orphanet 2322, MedGen C0796004, MONDO:0016512.

Allele frequency attached by ClinVar (database versions not stated): gnomAD exomes below 0.00001; gnomAD 0.00001; TOPMed 0.00001.
gnomAD v4.1: 4 of 1,613,636 alleles (0.00025%); highest among the groups gnomAD compares: African/African-American, 0.0013%; no homozygotes.

Submissions (2):

Fulgent Genetics
Classification: Uncertain significance for Kabuki syndrome 1; Choanal atresia-athelia-hypothyroidism-delayed puberty-short stature syndrome. Last evaluated: 2024-04-18. Review status: criteria provided, single submitter. Criteria: ACMG Guidelines, 2015. Collection method: clinical testing. Allele origin: germline.

Labcorp Genetics (formerly Invitae), Labcorp
Classification: Uncertain significance for Kabuki syndrome. Last evaluated: 2023-11-03. Review status: criteria provided, single submitter. Criteria: Invitae Variant Classification Sherloc (09022015). Collection method: clinical testing. Allele origin: germline.
Comment: This sequence change replaces alanine, which is neutral and non-polar, with serine, which is neutral and polar, at codon 2284 of the KMT2D protein (p.Ala2284Ser). This variant is not present in population databases (gnomAD no frequency). This variant has not been reported in the literature in individuals affected with KMT2D-related conditions. ClinVar contains an entry for this variant (Variation ID: 1380456). Advanced modeling of protein sequence and biophysical properties (such as structural, functional, and spatial information, amino acid conservation, physicochemical variation, residue mobility, and thermodynamic stability) performed at Invitae indicates that this missense variant is not expected to disrupt KMT2D protein function with a negative predictive value of 95%. In summary, the available evidence is currently insufficient to determine the role of this variant in disease. Therefore, it has been classified as a Variant of Uncertain Significance.

NM_003482.4(KMT2D):c.6850G>T (p.Ala2284Ser)

Gene: KMT2D (lysine methyltransferase 2D; minus strand). Cytogenetic location: 12q13.12.
Variant type: single nucleotide variant.
Coding change: c.6850G>T on transcript NM_003482.4 (MANE Select); coding-DNA position 6850, G replaced by T.
Protein change: p.Ala2284Ser; replaces alanine 2284 with serine.
Molecular consequence: missense variant.
Genome position (GRCh38, 1-based): chr12:49,040,920, C>A on the plus strand (G>T on the coding strand, the complement: KMT2D is on the minus strand). VCF-style: chr12-49040920-C-A. GRCh37 (hg19) VCF-style: chr12-49434703-C-A.
Other names: short protein forms A2284S.
Identifiers: ClinVar variation 1380456 (VCV001380456.9), dbSNP rs892931657, ClinGen allele CA236648584.